The following is an entry in ClinVar:

NM_003681.5(PDXK):c.143-115T>C

Gene: PDXK (pyridoxal kinase; plus strand). Cytogenetic location: 21q22.3.
Variant type: single nucleotide variant.
Coding change: c.143-115T>C on transcript NM_003681.5 (MANE Select); 115 bases into the intron before coding-DNA position 143, T replaced by C.
Molecular consequence: intron variant. On other transcripts: missense variant (1), initiator codon variant (1).
Genome position (GRCh38, 1-based): chr21:43,741,552, T>C. VCF-style: chr21-43741552-T-C. GRCh37 (hg19) VCF-style: chr21-45161433-T-C.
Other names: c.2T>C, p.Met1Thr (NM_001331030.2); short protein forms M1T.
Identifiers: ClinVar variation 3040150 (VCV003040150.3), dbSNP rs140485915, ClinGen allele CA10048418.

ClinVar aggregate classification (germline): Likely benign. Review status: criteria provided, single submitter (1 of 4 stars). 2 submissions from 2 submitters: Likely benign (1). 1 of the submissions does not count toward it. Last evaluated 2024-11-26.

Conditions:
PDXK-related disorder. Also called: PDXK-related condition.

Allele frequency attached by ClinVar (database versions not stated): 1000 Genomes Project 0.00339; ESP Exome Variant Server 0.00351; gnomAD 0.00351; 1000 Genomes Project 30x 0.00359; ExAC 0.00360; TOPMed 0.00405.
gnomAD v4.1: 954 of 1,526,154 alleles (0.063%); highest among the groups gnomAD compares: African/African-American, 1.2%; 5 homozygotes.

Submissions (2):

Blueprint Genetics
Classification: Likely benign. Last evaluated: 2024-11-26. Review status: criteria provided, single submitter. Criteria: ACMG Guidelines, 2015. Collection method: clinical testing. Allele origin: germline.

PreventionGenetics, part of Exact Sciences
Classification: Benign for PDXK-related condition. Last evaluated: 2019-12-26. Review status: no assertion criteria provided. Collection method: clinical testing. Allele origin: germline. Not counted in ClinVar's aggregate classification.
Comment: This variant is classified as benign based on ACMG/AMP sequence variant interpretation guidelines (Richards et al. 2015 PMID: 25741868, with internal and published modifications).